The following is an entry in ClinVar:

NM_022489.4(INF2):c.1322C>T (p.Pro441Leu)

Gene: INF2 (inverted formin 2; plus strand). Cytogenetic location: 14q32.33.
Variant type: single nucleotide variant.
Coding change: c.1322C>T on transcript NM_022489.4 (MANE Select); coding-DNA position 1322, C replaced by T.
Protein change: p.Pro441Leu; replaces proline 441 with leucine.
Molecular consequence: missense variant. On other transcripts: non-coding transcript variant (1).
Genome position (GRCh38, 1-based): chr14:104,707,589, C>T. VCF-style: chr14-104707589-C-T. GRCh37 (hg19) VCF-style: chr14-105173926-C-T.
Other names: c.1322C>T, p.Pro441Leu (NM_001031714.4, NM_001426862.1, NM_001426863.1 and 2 more transcripts); short protein forms P441L.
Identifiers: ClinVar variation 4885797 (VCV004885797.2).

ClinVar aggregate classification (germline): Uncertain significance (1 of 4 stars; one submission).

Submission:

Dasa
Classification: Uncertain significance. Last evaluated: 2025-09-01. Review status: criteria provided, single submitter. Criteria: DASA Assertion Criteria. Collection method: clinical testing. Allele origin: germline.
Comment: NM_022489.4(INF2):c.1322C>T (p.Pro441Leu) is a missense variant that results in the substitution of proline with leucine. This variant is rare in population databases. The currently available literature and clinical evidence are not sufficient to establish a definitive association between this variant and the reported condition. Therefore, this variant is classified as a variant of uncertain significance.